The following is an entry in ClinVar:

NM_004525.3(LRP2):c.10757G>A (p.Arg3586His)

Gene: LRP2 (LDL receptor related protein 2; minus strand). Cytogenetic location: 2q31.1.
Variant type: single nucleotide variant.
Coding change: c.10757G>A on transcript NM_004525.3 (MANE Select); coding-DNA position 10757, G replaced by A.
Protein change: p.Arg3586His; replaces arginine 3586 with histidine.
Molecular consequence: missense variant.
Genome position (GRCh38, 1-based): chr2:169,175,204, C>T on the plus strand (G>A on the coding strand, the complement: LRP2 is on the minus strand). VCF-style: chr2-169175204-C-T. GRCh37 (hg19) VCF-style: chr2-170031714-C-T.
Other names: c.10757G>A (NM_004525.2); short protein forms R3586H.
Identifiers: ClinVar variation 1368086 (VCV001368086.6), dbSNP rs762352363, ClinGen allele CA1953262.

ClinVar aggregate classification (germline): Conflicting classifications of pathogenicity. Review status: criteria provided, conflicting classifications (1 of 4 stars). 4 submissions from 4 submitters: Uncertain significance (3); Likely benign (1). Last evaluated 2025-12-12.

Conditions:
LRP2-related disorder. Also called: LRP2-related condition.
Inborn genetic diseases. Identifiers: MedGen C0950123, MeSH D030342.
Donnai-Barrow syndrome. Also called: FACIOOCULOACOUSTICORENAL SYNDROME; DBS/FOAR SYNDROME. Identifiers: Orphanet 2143, MedGen C1857277, MONDO:0009104, OMIM 222448.

Allele frequency attached by ClinVar (database versions not stated): TOPMed 0.00002; gnomAD 0.00003 and 0.00004; gnomAD exomes 0.00003 and 0.00004; ExAC 0.00006.
gnomAD v4.1: 51 of 1,613,954 alleles (0.0032%); highest among the groups gnomAD compares: South Asian, 0.016%; no homozygotes.

Submissions (4):

PreventionGenetics, part of Exact Sciences
Classification: Uncertain significance for LRP2-related condition. Last evaluated: 2025-12-12. Review status: criteria provided, single submitter. Criteria: ACMG Guidelines, 2015. Collection method: clinical testing. Allele origin: germline.
Comment: The LRP2 c.10757G>A variant is predicted to result in the amino acid substitution p.Arg3586His. To our knowledge, this variant has not been reported in the literature. This variant is reported in 0.013% of alleles in individuals of South Asian descent in gnomAD. At this time, the clinical significance of this variant is uncertain due to the absence of conclusive functional and genetic evidence.

Ambry Genetics
Classification: Likely benign for Inborn genetic diseases. Last evaluated: 2022-07-08. Review status: criteria provided, single submitter. Criteria: Ambry Variant Classification Scheme 2023. Collection method: clinical testing. Allele origin: germline.

Labcorp Genetics (formerly Invitae), Labcorp
Classification: Uncertain significance. Last evaluated: 2022-03-14. Review status: criteria provided, single submitter. Criteria: Invitae Variant Classification Sherloc (09022015). Collection method: clinical testing. Allele origin: germline.
Comment: This sequence change replaces arginine, which is basic and polar, with histidine, which is basic and polar, at codon 3586 of the LRP2 protein (p.Arg3586His). This variant is present in population databases (rs762352363, gnomAD 0.01%). This variant has not been reported in the literature in individuals affected with LRP2-related conditions. Advanced modeling of protein sequence and biophysical properties (such as structural, functional, and spatial information, amino acid conservation, physicochemical variation, residue mobility, and thermodynamic stability) performed at Invitae indicates that this missense variant is not expected to disrupt LRP2 protein function. In summary, the available evidence is currently insufficient to determine the role of this variant in disease. Therefore, it has been classified as a Variant of Uncertain Significance.

Fulgent Genetics
Classification: Uncertain significance for Donnai-Barrow syndrome. Last evaluated: 2022-01-11. Review status: criteria provided, single submitter. Criteria: ACMG Guidelines, 2015. Collection method: clinical testing. Allele origin: unknown.